The following is an entry in ClinVar:

ClinVar aggregate classification (germline): Uncertain significance. Review status: criteria provided, multiple submitters, no conflicts (2 of 4 stars). 3 submissions from 3 submitters: Uncertain significance (3). Last evaluated 2025-11-18.

Conditions:
Inborn genetic diseases. Identifiers: MedGen C0950123, MeSH D030342.

gnomAD v4.1: 4 of 1,613,414 alleles (0.00025%); highest among the groups gnomAD compares: Admixed American, 0.0017%; no homozygotes.

Submissions (3):

Dasa
Classification: Uncertain significance. Last evaluated: 2025-11-18. Review status: criteria provided, single submitter. Criteria: DASA Assertion Criteria. Collection method: clinical testing. Allele origin: germline.
Comment: NM_006940.6(SOX5):c.982G>A (p.Ala328Thr) is a missense variant that results in the substitution of alanine with threonine. This variant is rare in population databases. The currently available literature and clinical evidence are not sufficient to establish a definitive association between this variant and the reported condition. Therefore, this variant is classified as a variant of uncertain significance.

Ambry Genetics
Classification: Uncertain significance for Inborn genetic diseases. Last evaluated: 2025-03-20. Review status: criteria provided, single submitter. Criteria: Ambry Variant Classification Scheme 2023. Collection method: clinical testing. Allele origin: germline.

Women's Health and Genetics/Laboratory Corporation of America, LabCorp
Classification: Uncertain significance. Last evaluated: 2023-10-23. Review status: criteria provided, single submitter. Criteria: LabCorp Variant Classification Summary - May 2015. Collection method: clinical testing. Allele origin: germline.
Comment: Variant summary: SOX5 c.982G>A (p.Ala328Thr) results in a non-conservative amino acid change in the encoded protein sequence. Three of five in-silico tools predict a damaging effect of the variant on protein function. The variant allele was found at a frequency of 4e-06 in 250424 control chromosomes. The available data on variant occurrences in the general population are insufficient to allow any conclusion about variant significance. To our knowledge, no occurrence of c.982G>A in individuals affected with Lamb-Shaffer Syndrome and no experimental evidence demonstrating its impact on protein function have been reported. No submitters have cited clinical-significance assessments for this variant to ClinVar after 2014. Based on the evidence outlined above, the variant was classified as uncertain significance.

NM_006940.6(SOX5):c.982G>A (p.Ala328Thr)

Gene: SOX5 (SRY-box transcription factor 5; minus strand). Cytogenetic location: 12p12.1.
Variant type: single nucleotide variant.
Coding change: c.982G>A on transcript NM_006940.6 (MANE Select); coding-DNA position 982, G replaced by A.
Protein change: p.Ala328Thr; replaces alanine 328 with threonine.
Molecular consequence: missense variant.
Genome position (GRCh38, 1-based): chr12:23,640,847, C>T on the plus strand (G>A on the coding strand, the complement: SOX5 is on the minus strand). VCF-style: chr12-23640847-C-T. GRCh37 (hg19) VCF-style: chr12-23793781-C-T.
Other names: c.943G>A, p.Ala315Thr (NM_001261414.3, NM_152989.5); c.952G>A, p.Ala318Thr (NM_001261415.3); c.877G>A, p.Ala293Thr (NM_001330785.2); c.982G>A (NM_006940.4); short protein forms A293T, A315T, A318T, A328T.
Identifiers: ClinVar variation 2637870 (VCV002637870.4), dbSNP rs762621219, ClinGen allele CA384317757.